The following is an entry in ClinVar:

NM_032271.3(TRAF7):c.1936G>A (p.Val646Ile)

Gene: TRAF7 (TNF receptor associated factor 7; plus strand). Cytogenetic location: 16p13.3.
Variant type: single nucleotide variant.
Coding change: c.1936G>A on transcript NM_032271.3 (MANE Select); coding-DNA position 1936, G replaced by A.
Protein change: p.Val646Ile; replaces valine 646 with isoleucine.
Molecular consequence: missense variant.
Genome position (GRCh38, 1-based): chr16:2,176,322, G>A. VCF-style: chr16-2176322-G-A. GRCh37 (hg19) VCF-style: chr16-2226323-G-A.
Other names: short protein forms V646I.
Identifiers: ClinVar variation 3765873 (VCV003765873.1).

ClinVar aggregate classification (germline): Pathogenic (1 of 4 stars; one submission).

Conditions:
Cardiac, facial, and digital anomalies with developmental delay. Identifiers: Orphanet 592570, MedGen C4748484, MONDO:0032572, OMIM 618164.

Submission:

Greenwood Genetic Center Diagnostic Laboratories, Greenwood Genetic Center
Classification: Pathogenic for Cardiac, facial, and digital anomalies with developmental delay. Last evaluated: 2024-07-29. Review status: criteria provided, single submitter. Criteria: ACMG Guidelines, 2015. Collection method: clinical testing. Allele origin: germline. Affected: yes.
Comment: PS2, PS4_Supporting, PM1, PM2, PM5